The following is an entry in ClinVar:

NM_001734.5(C1S):c.5+5G>A

Gene: C1S (complement C1s; plus strand). Cytogenetic location: 12p13.31.
Variant type: single nucleotide variant.
Coding change: c.5+5G>A on transcript NM_001734.5 (MANE Select); 5 bases into the intron after coding-DNA position 5, G replaced by A.
Molecular consequence: intron variant.
Genome position (GRCh38, 1-based): chr12:7,061,922, G>A. VCF-style: chr12-7061922-G-A. GRCh37 (hg19) VCF-style: chr12-7169226-G-A.
Other names: c.5+5G>A (NM_201442.4); c.-289+5G>A (NM_001346850.2).
Identifiers: ClinVar variation 2920214 (VCV002920214.4), dbSNP rs1555161328, ClinGen allele CA2014381495.

ClinVar aggregate classification (germline): Uncertain significance (1 of 4 stars; one submission).

gnomAD v4.1: 10 of 1,613,822 alleles (0.00062%); highest among the groups gnomAD compares: East Asian, 0.022%; no homozygotes.

Submissions (2):

Labcorp Genetics (formerly Invitae), Labcorp
Classification: Uncertain significance. Last evaluated: 2022-12-20. Review status: criteria provided, single submitter. Criteria: Invitae Variant Classification Sherloc (09022015). Collection method: clinical testing. Allele origin: germline.
Comment: In summary, the available evidence is currently insufficient to determine the role of this variant in disease. Therefore, it has been classified as a Variant of Uncertain Significance. Variants that disrupt the consensus splice site are a relatively common cause of aberrant splicing (PMID: 17576681, 9536098). Algorithms developed to predict the effect of sequence changes on RNA splicing suggest that this variant may disrupt the consensus splice site. This variant has not been reported in the literature in individuals affected with C1S-related conditions. This variant is not present in population databases (gnomAD no frequency). This sequence change falls in intron 2 of the C1S gene. It does not directly change the encoded amino acid sequence of the C1S protein. It affects a nucleotide within the consensus splice site.

Dr. Peter K. Rogan Lab, Western University
No classification provided (evidence only). Condition: Malignant tumor of esophagus. Review status: no classification provided. Collection method: in vitro. Allele origin: not applicable. Functional consequence: skipped exon. Not counted in ClinVar's aggregate classification.

Literature cited by the submitters: PubMed 17576681 (cited by Labcorp Genetics (formerly Invitae), Labcorp); PubMed 9536098 (cited by Labcorp Genetics (formerly Invitae), Labcorp).